The following is an entry in ClinVar:

NM_000130.5(F5):c.4373C>T (p.Pro1458Leu)

Gene: F5 (coagulation factor V; minus strand). Cytogenetic location: 1q24.2.
Variant type: single nucleotide variant.
Coding change: c.4373C>T on transcript NM_000130.5 (MANE Select); coding-DNA position 4373, C replaced by T.
Protein change: p.Pro1458Leu; replaces proline 1458 with leucine.
Molecular consequence: missense variant.
Genome position (GRCh38, 1-based): chr1:169,540,717, G>A on the plus strand (C>T on the coding strand, the complement: F5 is on the minus strand). VCF-style: chr1-169540717-G-A. GRCh37 (hg19) VCF-style: chr1-169509955-G-A.
Other names: short protein forms P1458L.
Identifiers: ClinVar variation 5005195 (VCV005005195.2).

ClinVar aggregate classification (germline): Uncertain significance (1 of 4 stars; one submission).

Conditions:
Congenital factor V deficiency. Also called: OWREN PARAHEMOPHILIA; PARAHEMOPHILIA; Hereditary factor V deficiency disease; LABILE FACTOR DEFICIENCY. Identifiers: Orphanet 326, MedGen C0015499, MONDO:0009210, OMIM 227400.
Thrombophilia due to activated protein C resistance (THPH2). Also called: Hereditary Resistance to Activated Protein C; PCCF DEFICIENCY; PROC COFACTOR DEFICIENCY; THROMBOPHILIA DUE TO DEFICIENCY OF ACTIVATED PROTEIN C COFACTOR; THROMBOPHILIA V; APC resistance. Identifiers: MedGen C1861171, MONDO:0008560, OMIM 188055. Disease mechanism: loss of function, gain of function.
Budd-Chiari syndrome (BDCHS). Also called: Hepatic vein obstruction. Identifiers: Orphanet 131, MedGen C0856761, MONDO:0010947, OMIM 600880, HP:0002639.
Ischemic stroke. Also called: CEREBROVASCULAR ACCIDENT; Ischemic stroke, susceptibility to. Identifiers: MedGen C0948008, MONDO:1060198, OMIM 601367, HP:0002140.
Pregnancy loss, recurrent, susceptibility to, 1 (RPRGL1). Also called: EMBRYONIC LOSS, RECURRENT; MISCARRIAGE, RECURRENT; STILLBIRTH, RECURRENT; FETAL LOSS, RECURRENT, SUSCEPTIBILITY TO. Identifiers: MedGen C3280670, MONDO:0013727, OMIM 614389.

Submission:

Juno Genomics, Hangzhou Juno Genomics, Inc
Classification: Uncertain significance for Budd-Chiari syndrome; Pregnancy loss, recurrent, susceptibility to, 1; Ischemic stroke; Thrombophilia due to activated protein C resistance; Congenital factor V deficiency. Review status: criteria provided, single submitter. Criteria: ACMG Guidelines, 2015. Collection method: clinical testing. Allele origin: germline.
Comment: Absent from controls (or at extremely low frequency if recessive) in Genome Aggregation Database.